The following is an entry in ClinVar:

NM_000257.4(MYH7):c.2549C>G (p.Ala850Gly)

Genes: MYH7 (myosin heavy chain 7; minus strand), LOC126861898 (BRD4-independent group 4 enhancer GRCh37_chr14:23893609-23894808; plus strand). Cytogenetic location: 14q11.2.
Variant type: single nucleotide variant.
Coding change: c.2549C>G on transcript NM_000257.4 (MANE Select); coding-DNA position 2549, C replaced by G.
Protein change: p.Ala850Gly; replaces alanine 850 with glycine.
Molecular consequence: missense variant.
Genome position (GRCh38, 1-based): chr14:23,424,899, G>C on the plus strand (C>G on the coding strand, the complement: MYH7 is on the minus strand). VCF-style: chr14-23424899-G-C. GRCh37 (hg19) VCF-style: chr14-23894108-G-C.
Other names: c.2549C>G, p.Ala850Gly (NM_001407004.1); short protein forms A850G.
Identifiers: ClinVar variation 1792912 (VCV001792912.2), dbSNP rs1161316457, ClinGen allele CA389048178.

ClinVar aggregate classification (germline): Uncertain significance (1 of 4 stars; one submission).

Conditions:
Cardiovascular phenotype. Identifiers: MedGen CN230736.

Submission:

Ambry Genetics
Classification: Uncertain significance for Cardiovascular phenotype. Last evaluated: 2022-07-28. Review status: criteria provided, single submitter. Criteria: Ambry Variant Classification Scheme 2023. Collection method: clinical testing. Allele origin: germline.
Comment: The p.A850G variant (also known as c.2549C>G), located in coding exon 20 of the MYH7 gene, results from a C to G substitution at nucleotide position 2549. The alanine at codon 850 is replaced by glycine, an amino acid with similar properties. This alteration is located in the myosin head domain, which contains a statistically significant clustering of pathogenic missense variants (Homburger JR et al. Proc Natl Acad Sci U S A, 2016 06;113:6701-6; Walsh R et al. Genet Med, 2017 02;19:192-203; Ambry internal data). This amino acid position is well conserved in available vertebrate species. In addition, the in silico prediction for this alteration is inconclusive. Since supporting evidence is limited at this time, the clinical significance of this alteration remains unclear.